The following is an entry in ClinVar:

NM_021098.3(CACNA1H):c.1870G>A (p.Gly624Ser)

Gene: CACNA1H (calcium voltage-gated channel subunit alpha1 H; plus strand). Cytogenetic location: 16p13.3.
Variant type: single nucleotide variant.
Coding change: c.1870G>A on transcript NM_021098.3 (MANE Select); coding-DNA position 1870, G replaced by A.
Protein change: p.Gly624Ser; replaces glycine 624 with serine.
Molecular consequence: missense variant.
Genome position (GRCh38, 1-based): chr16:1,202,320, G>A. VCF-style: chr16-1202320-G-A. GRCh37 (hg19) VCF-style: chr16-1252320-G-A.
Other names: c.1870G>A, p.Gly624Ser (NM_001005407.2); short protein forms G624S.
Identifiers: ClinVar variation 529569 (VCV000529569.8), dbSNP rs750987846, ClinGen allele CA7800032.

ClinVar aggregate classification (germline): Uncertain significance (1 of 4 stars; one submission).

Conditions:
Hyperaldosteronism, familial, type IV (HALD4). Also called: FH IV; ALDOSTERONISM, PRIMARY, AND HYPERTENSION. Identifiers: Orphanet 642671, MedGen C4310756, MONDO:0014875, OMIM 617027.
Idiopathic generalized epilepsy. Also called: Generalised epilepsy; EIG. Identifiers: MedGen C0270850, MONDO:0005579, OMIM 600669.

Allele frequency attached by ClinVar (database versions not stated): gnomAD 0.00001; TOPMed 0.00001; gnomAD exomes 0.00004; ExAC 0.00007.
gnomAD v4.1: 57 of 1,582,088 alleles (0.0036%); highest among the groups gnomAD compares: South Asian, 0.012%; 1 homozygote.

Submission:

Labcorp Genetics (formerly Invitae), Labcorp
Classification: Uncertain significance for Idiopathic generalized epilepsy; Hyperaldosteronism, familial, type IV. Last evaluated: 2023-06-23. Review status: criteria provided, single submitter. Criteria: Invitae Variant Classification Sherloc (09022015). Collection method: clinical testing. Allele origin: germline.
Comment: ClinVar contains an entry for this variant (Variation ID: 529569). In summary, the available evidence is currently insufficient to determine the role of this variant in disease. Therefore, it has been classified as a Variant of Uncertain Significance. Advanced modeling of protein sequence and biophysical properties (such as structural, functional, and spatial information, amino acid conservation, physicochemical variation, residue mobility, and thermodynamic stability) performed at Invitae indicates that this missense variant is not expected to disrupt CACNA1H protein function. This variant has not been reported in the literature in individuals affected with CACNA1H-related conditions. The frequency data for this variant in the population databases is considered unreliable, as metrics indicate poor data quality at this position in the gnomAD database. This sequence change replaces glycine, which is neutral and non-polar, with serine, which is neutral and polar, at codon 624 of the CACNA1H protein (p.Gly624Ser).